The following is an entry in ClinVar:

ClinVar aggregate classification (germline): Uncertain significance. Review status: criteria provided, multiple submitters, no conflicts (2 of 4 stars). 4 submissions from 4 submitters: Uncertain significance (4). Last evaluated 2024-10-09.

Conditions:
Joubert syndrome 24 (JBTS24). Identifiers: Orphanet 475, MedGen C4084841, MONDO:0014724, OMIM 616654.
Meckel syndrome, type 8. Identifiers: Orphanet 564, MedGen C3836857, MONDO:0013482, OMIM 613885.
Inborn genetic diseases. Identifiers: MedGen C0950123, MeSH D030342.
Joubert syndrome. Also called: CEREBELLOPARENCHYMAL DISORDER IV; JOUBERT-BOLTSHAUSER SYNDROME; Familial aplasia of the vermis. Identifiers: Orphanet 475, MedGen C5979921, MONDO:0018772.
Meckel-Gruber syndrome. Also called: DYSENCEPHALIA SPLANCHNOCYSTICA; GRUBER SYNDROME; Dysencephalia splachnocystica. Identifiers: Orphanet 564, MedGen C0265215, MONDO:0018921.

Allele frequency attached by ClinVar (database versions not stated): gnomAD 0.00003 and 0.00004; ESP Exome Variant Server 0.00015.
gnomAD v4.1: 224 of 1,614,048 alleles (0.014%); highest among the groups gnomAD compares: Non-Finnish European, 0.018%; no homozygotes.

Submissions (4):

Ambry Genetics
Classification: Uncertain significance for Inborn genetic diseases. Last evaluated: 2024-10-09. Review status: criteria provided, single submitter. Criteria: Ambry Variant Classification Scheme 2023. Collection method: clinical testing. Allele origin: germline.

Mayo Clinic Laboratories, Mayo Clinic
Classification: Uncertain significance. Last evaluated: 2024-04-06. Review status: criteria provided, single submitter. Criteria: ACMG Guidelines, 2015. Collection method: clinical testing. Allele origin: germline. Observed: 1 variant allele.
Comment: BP4

Fulgent Genetics
Classification: Uncertain significance for Meckel syndrome, type 8; Joubert syndrome 24. Last evaluated: 2024-01-25. Review status: criteria provided, single submitter. Criteria: ACMG Guidelines, 2015. Collection method: clinical testing. Allele origin: germline.

Labcorp Genetics (formerly Invitae), Labcorp
Classification: Uncertain significance for Joubert syndrome; Meckel-Gruber syndrome. Last evaluated: 2022-03-11. Review status: criteria provided, single submitter. Criteria: Invitae Variant Classification Sherloc (09022015). Collection method: clinical testing. Allele origin: germline.
Comment: This sequence change replaces asparagine, which is neutral and polar, with histidine, which is basic and polar, at codon 193 of the TCTN2 protein (p.Asn193His). This variant is present in population databases (rs370944870, gnomAD 0.02%). This variant has not been reported in the literature in individuals affected with TCTN2-related conditions. Algorithms developed to predict the effect of missense changes on protein structure and function output the following: SIFT: "Tolerated"; PolyPhen-2: "Benign"; Align-GVGD: "Class C0". The histidine amino acid residue is found in multiple mammalian species, which suggests that this missense change does not adversely affect protein function. In summary, the available evidence is currently insufficient to determine the role of this variant in disease. Therefore, it has been classified as a Variant of Uncertain Significance.

NM_024809.5(TCTN2):c.577A>C (p.Asn193His)

Gene: TCTN2 (tectonic family member 2; plus strand). Cytogenetic location: 12q24.31.
Variant type: single nucleotide variant.
Coding change: c.577A>C on transcript NM_024809.5 (MANE Select); coding-DNA position 577, A replaced by C.
Protein change: p.Asn193His; replaces asparagine 193 with histidine.
Molecular consequence: missense variant.
Genome position (GRCh38, 1-based): chr12:123,686,848, A>C. VCF-style: chr12-123686848-A-C. GRCh37 (hg19) VCF-style: chr12-124171395-A-C.
Other names: p.Asn193His; c.574A>C, p.Asn192His (NM_001143850.3); c.577A>C (NM_024809.3); short protein forms N192H, N193H.
Identifiers: ClinVar variation 1406972 (VCV001406972.7), dbSNP rs370944870, ClinGen allele CA6860934.